The following is an entry in ClinVar:

ClinVar aggregate classification (germline): Uncertain significance (1 of 4 stars; one submission).

Conditions:
SPTB-related disorder. Also called: SPTB-Related Disorders; SPTB-related condition.

Submission:

PreventionGenetics, part of Exact Sciences
Classification: Uncertain significance for SPTB-related condition. Last evaluated: 2025-11-24. Review status: criteria provided, single submitter. Criteria: ACMG Guidelines, 2015. Collection method: clinical testing. Allele origin: germline.
Comment: The SPTB c.3413T>A variant is predicted to result in the amino acid substitution p.Leu1138His. To our knowledge, this variant has not been reported in the literature or in a large population database (gnomAD), indicating this variant is rare. At this time, the clinical significance of this variant is uncertain due to the absence of conclusive functional and genetic evidence.

NM_001355436.2(SPTB):c.3413T>A (p.Leu1138His)

Gene: SPTB (spectrin beta, erythrocytic; minus strand). Cytogenetic location: 14q23.3.
Variant type: single nucleotide variant.
Coding change: c.3413T>A on transcript NM_001355436.2 (MANE Select); coding-DNA position 3413, T replaced by A.
Protein change: p.Leu1138His; replaces leucine 1138 with histidine.
Molecular consequence: missense variant.
Genome position (GRCh38, 1-based): chr14:64,786,552, A>T on the plus strand (T>A on the coding strand, the complement: SPTB is on the minus strand). VCF-style: chr14-64786552-A-T. GRCh37 (hg19) VCF-style: chr14-65253270-A-T.
Other names: c.3413T>A, p.Leu1138His (NM_001024858.4, NM_001355437.2); short protein forms L1138H.
Identifiers: ClinVar variation 4994335 (VCV004994335.1).
Genomic context (GRCh38, chr14:64,786,552, plus strand): 5'-TCCCACATCCTGCCCAGGGCATTCCAGCCAGTATCCAGGCCCTCCAGCCGCTGGCCCAGA[A>T]GCAGATACTCTGGGTCCGTCTGGCCTTGGATCACTTTCTCCCCAGACTCCTTAACACGCT-3'
Protein context (NP_001342365.1, residues 1128-1148): IQGQTDPEYL[Leu1138His]LGQRLEGLDT